The following is an entry in ClinVar:

ClinVar aggregate classification (germline): Pathogenic (1 of 4 stars; one submission).

Conditions:
Neurofibromatosis, type 1 (NF1). Also called: VON RECKLINGHAUSEN DISEASE; Neurofibromatosis, type I; Peripheral type neurofibromatosis; NEUROFIBROMATOSIS, TYPE I, SOMATIC. Identifiers: Orphanet 636, MedGen C0027831, MONDO:0018975, OMIM 162200. Disease mechanism: loss of function.

Submission:

Labcorp Genetics (formerly Invitae), Labcorp
Classification: Pathogenic for Neurofibromatosis, type 1. Last evaluated: 2023-02-14. Review status: criteria provided, single submitter. Criteria: Invitae Variant Classification Sherloc (09022015). Collection method: clinical testing. Allele origin: unknown.
Comment: This variant is a gross deletion of the genomic region encompassing exon(s) 9-47 of the NF1 gene. This deletion is out-of-frame, and is expected to create a premature termination codon and result in an absent or disrupted protein product. Loss-of-function variants in NF1 are known to be pathogenic (PMID: 10712197, 23913538). This variant has not been reported in the literature in individuals affected with NF1-related conditions. For these reasons, this variant has been classified as Pathogenic.

Literature cited by the submitters: PubMed 10712197; PubMed 23913538.

NC_000017.10:g.(?_29527428)_(29670163_?)del

Genes: EVI2A (ecotropic viral integration site 2A; minus strand), EVI2B (ecotropic viral integration site 2B; minus strand), NF1 (neurofibromin 1; plus strand), OMG (oligodendrocyte myelin glycoprotein; minus strand). Cytogenetic location: 17q11.2.
Variant type: Deletion.
Identifiers: ClinVar variation 3242886 (VCV003242886.1).